The following is an entry in ClinVar:

ClinVar aggregate classification (germline): Uncertain significance (1 of 4 stars; one submission).

Allele frequency attached by ClinVar (database versions not stated): gnomAD exomes below 0.00001; TOPMed 0.00001.
gnomAD v4.1: 1 of 1,612,246 alleles (0.000062%); highest among the groups gnomAD compares: African/African-American, 0.0013%; no homozygotes.

Submission:

Labcorp Genetics (formerly Invitae), Labcorp
Classification: Uncertain significance. Last evaluated: 2020-02-24. Review status: criteria provided, single submitter. Criteria: Invitae Variant Classification Sherloc (09022015). Collection method: clinical testing. Allele origin: germline.
Comment: This sequence change replaces histidine with tyrosine at codon 993 of the RIMS1 protein (p.His993Tyr). The histidine residue is highly conserved and there is a moderate physicochemical difference between histidine and tyrosine. This variant is not present in population databases (ExAC no frequency). This variant has not been reported in the literature in individuals with RIMS1-related conditions. Algorithms developed to predict the effect of missense changes on protein structure and function (SIFT, PolyPhen-2, Align-GVGD) all suggest that this variant is likely to be disruptive, but these predictions have not been confirmed by published functional studies and their clinical significance is uncertain. In summary, the available evidence is currently insufficient to determine the role of this variant in disease. Therefore, it has been classified as a Variant of Uncertain Significance.

NM_014989.7(RIMS1):c.2977C>T (p.His993Tyr)

Gene: RIMS1 (regulating synaptic membrane exocytosis 1; plus strand). Cytogenetic location: 6q13.
Variant type: single nucleotide variant.
Coding change: c.2977C>T on transcript NM_014989.7 (MANE Select); coding-DNA position 2977, C replaced by T.
Protein change: p.His993Tyr; replaces histidine 993 with tyrosine.
Molecular consequence: missense variant.
Genome position (GRCh38, 1-based): chr6:72,259,035, C>T. VCF-style: chr6-72259035-C-T. GRCh37 (hg19) VCF-style: chr6-72968738-C-T.
Other names: c.1396C>T, p.His466Tyr (NM_001168407.2, NM_001350415.2, NM_001350418.2 and 19 more transcripts); c.1399C>T, p.His467Tyr (NM_001168408.2, NM_001350414.2, NM_001350416.2 and 15 more transcripts); c.1156C>T, p.His386Tyr (NM_001168409.2, NM_001350464.2, NM_001350465.2 and 3 more transcripts); c.1354C>T, p.His452Tyr (NM_001168410.2, NM_001350470.2, NM_001350473.2 and 1 more transcripts); c.1327C>T, p.His443Tyr (NM_001350421.2, NM_001350430.2, NM_001350437.2 and 2 more transcripts); c.1330C>T, p.His444Tyr (NM_001350424.2, NM_001350428.2, NM_001350459.2 and 1 more transcripts); c.1153C>T, p.His385Tyr (NM_001350461.2, NM_001350463.2, NM_001350468.2); c.1351C>T, p.His451Tyr (NM_001350472.2); short protein forms H444Y, H452Y, H386Y, H443Y, H451Y, H466Y, H467Y, H385Y.
Identifiers: ClinVar variation 942514 (VCV000942514.9), dbSNP rs1481729611, ClinGen allele CA364683140.
Genomic context (GRCh38, chr6:72,259,035, plus strand): 5'-AATCATTTTAGGAGTTTAGATGAAATTCATCCAACAAGAAGGTCACGTTCTCCAACCAGA[C>T]ACCATGATGCCTCCCGAAGTCCAGTTGATCATAGAACCAGAGATGTGGATAGTCAGTATT-3'
Protein context (NP_055804.2, residues 983-1003): PTRRSRSPTR[His993Tyr]HDASRSPVDH